The following is an entry in ClinVar:

NM_001378454.1(ALMS1):c.4160A>C (p.Lys1387Thr)

Gene: ALMS1 (ALMS1 centrosome and basal body associated protein; plus strand). Cytogenetic location: 2p13.1.
Variant type: single nucleotide variant.
Coding change: c.4160A>C on transcript NM_001378454.1 (MANE Select); coding-DNA position 4160, A replaced by C.
Protein change: p.Lys1387Thr; replaces lysine 1387 with threonine.
Molecular consequence: missense variant.
Genome position (GRCh38, 1-based): chr2:73,450,687, A>C. VCF-style: chr2-73450687-A-C. GRCh37 (hg19) VCF-style: chr2-73677814-A-C.
Other names: c.4163A>C, p.Lys1388Thr (NM_015120.4); short protein forms K1388T, K1387T.
Identifiers: ClinVar variation 1418190 (VCV001418190.7), dbSNP rs1264554750, ClinGen allele CA347277588.
Genomic context (GRCh38, chr2:73,450,687, plus strand): 5'-TTGACCAGACAACTGGCACACCAACTGTAACCTCTACTTCTTACTCACAACATACAGAGA[A>C]GCCGAGTATTTTCTACCAACAGTCGTTGCCAGGTAGTCATCTAACTGAAGAGGCTAAGAA-3'
Protein context (NP_001365383.1, residues 1377-1397): TSTSYSQHTE[Lys1387Thr]PSIFYQQSLP

ClinVar aggregate classification (germline): Uncertain significance. Review status: criteria provided, multiple submitters, no conflicts (2 of 4 stars). 2 submissions from 2 submitters: Uncertain significance (2). Last evaluated 2024-06-30.

Conditions:
Alstrom syndrome (ALMS). Identifiers: Orphanet 64, MedGen C0268425, MONDO:0008763, OMIM 203800.

Allele frequency attached by ClinVar (database versions not stated): gnomAD exomes below 0.00001 and 0.00002.
gnomAD v4.1: 26 of 1,612,914 alleles (0.0016%); highest among the groups gnomAD compares: Non-Finnish European, 0.0022%; no homozygotes.

Submissions (2):

Labcorp Genetics (formerly Invitae), Labcorp
Classification: Uncertain significance for Alstrom syndrome. Last evaluated: 2024-06-30. Review status: criteria provided, single submitter. Criteria: Invitae Variant Classification Sherloc (09022015). Collection method: clinical testing. Allele origin: germline.
Comment: This sequence change replaces lysine, which is basic and polar, with threonine, which is neutral and polar, at codon 1388 of the ALMS1 protein (p.Lys1388Thr). This variant is present in population databases (no rsID available, gnomAD 0.0009%). This variant has not been reported in the literature in individuals affected with ALMS1-related conditions. ClinVar contains an entry for this variant (Variation ID: 1418190). Experimental studies and prediction algorithms are not available or were not evaluated, and the functional significance of this variant is currently unknown. In summary, the available evidence is currently insufficient to determine the role of this variant in disease. Therefore, it has been classified as a Variant of Uncertain Significance.

Fulgent Genetics
Classification: Uncertain significance for Alstrom syndrome. Last evaluated: 2021-11-01. Review status: criteria provided, single submitter. Criteria: ACMG Guidelines, 2015. Collection method: clinical testing. Allele origin: unknown.